The following is an entry in ClinVar:

ClinVar aggregate classification (germline): Uncertain significance. Review status: criteria provided, multiple submitters, no conflicts (2 of 4 stars). 3 submissions from 3 submitters: Uncertain significance (3). Last evaluated 2023-02-14.

Conditions:
Cystic fibrosis (CF). Also called: MUCOVISCIDOSIS. Identifiers: Orphanet 586, MedGen C0010674, MONDO:0009061, OMIM 219700. Disease mechanism: loss of function.

Allele frequency attached by ClinVar (database versions not stated): gnomAD exomes below 0.00001.
gnomAD v4.1: 3 of 1,613,404 alleles (0.00019%); highest among the groups gnomAD compares: South Asian, 0.0011%; no homozygotes.

Submissions (3):

Neuberg Centre For Genomic Medicine, NCGM
Classification: Uncertain significance for Cystic fibrosis. Last evaluated: 2023-02-14. Review status: criteria provided, single submitter. Criteria: ACMG Guidelines, 2015. Collection method: clinical testing. Allele origin: germline. Inheritance: Autosomal recessive inheritance. Affected: yes.
Comment: The missense c.1282C>G(p.Leu428Val) variant in CFTR gene has been reported previously in compound heterozygous state in individual(s) affected with cystic fibrosis (Indika NLR, et. al., 2019). The p.Leu428Val variant is novel (not in any individuals) in both gnomAD Exomes and 1000 Genomes databases. This variant has been reported to the ClinVar database as Uncertain Significance. The amino acid change p.Leu428Val in CFTR is predicted as conserved by GERP++ and PhyloP across 100 vertebrates. The amino acid Leu at position 428 is changed to a Val changing protein sequence and it might alter its composition and physico-chemical properties. Additonal functional studies are required to prove the pathogenicity of this variant. For these reasons, this variant has been classified as a Variant of Uncertain Significance (VUS).

Institute of Human Genetics, University of Leipzig Medical Center
Classification: Uncertain significance for Cystic fibrosis. Last evaluated: 2022-09-05. Review status: criteria provided, single submitter. Criteria: ACMG Guidelines, 2015. Collection method: curation. Allele origin: unknown. Affected: yes. Observed: 1 variant allele.
Comment: The variant was classified in the context of a project re-classifying variants in the German Cystic Fibrosis Registry (Muko.e.V.). Criteria applied: PM2_SUP

Labcorp Genetics (formerly Invitae), Labcorp
Classification: Uncertain significance for Cystic fibrosis. Last evaluated: 2022-05-15. Review status: criteria provided, single submitter. Criteria: Invitae Variant Classification Sherloc (09022015). Collection method: clinical testing. Allele origin: germline.
Comment: In summary, the available evidence is currently insufficient to determine the role of this variant in disease. Therefore, it has been classified as a Variant of Uncertain Significance. This sequence change replaces leucine, which is neutral and non-polar, with valine, which is neutral and non-polar, at codon 428 of the CFTR protein (p.Leu428Val). This variant is not present in population databases (gnomAD no frequency). This missense change has been observed in individual(s) with clinical features of cystic fibrosis (PMID: 31126253). Algorithms developed to predict the effect of missense changes on protein structure and function output the following: SIFT: "Tolerated"; PolyPhen-2: "Benign"; Align-GVGD: "Class C0". The valine amino acid residue is found in multiple mammalian species, which suggests that this missense change does not adversely affect protein function.

Literature cited by the submitters: PubMed 31126253 (cited by Labcorp Genetics (formerly Invitae), Labcorp).

NM_000492.4(CFTR):c.1282C>G (p.Leu428Val)

Genes: CFTR (CF transmembrane conductance regulator; plus strand), CFTR-AS1 (CFTR antisense RNA 1; minus strand). Cytogenetic location: 7q31.2.
Variant type: single nucleotide variant.
Coding change: c.1282C>G on transcript NM_000492.4 (MANE Select); coding-DNA position 1282, C replaced by G.
Protein change: p.Leu428Val; replaces leucine 428 with valine.
Molecular consequence: missense variant.
Genome position (GRCh38, 1-based): chr7:117,548,713, C>G. VCF-style: chr7-117548713-C-G. GRCh37 (hg19) VCF-style: chr7-117188767-C-G.
Other names: L428V.
Identifiers: ClinVar variation 1705987 (VCV001705987.6), dbSNP rs563443356, ClinGen allele CA368981640.